The following is an entry in ClinVar:

ClinVar aggregate classification (germline): Uncertain significance (1 of 4 stars; one submission).

Conditions:
Charcot-Marie-Tooth disease type 4. Also called: Charcot-Marie-Tooth, Type 4; Charcot-Marie-Tooth disease, type IV. Identifiers: Orphanet 64749, MedGen C4082197, MONDO:0018995.

Submission:

Labcorp Genetics (formerly Invitae), Labcorp
Classification: Uncertain significance for Charcot-Marie-Tooth disease type 4. Last evaluated: 2023-05-22. Review status: criteria provided, single submitter. Criteria: Invitae Variant Classification Sherloc (09022015). Collection method: clinical testing. Allele origin: germline.
Comment: In summary, the available evidence is currently insufficient to determine the role of this variant in disease. Therefore, it has been classified as a Variant of Uncertain Significance. Advanced modeling of protein sequence and biophysical properties (such as structural, functional, and spatial information, amino acid conservation, physicochemical variation, residue mobility, and thermodynamic stability) has been performed at Invitae for this missense variant, however the output from this modeling did not meet the statistical confidence thresholds required to predict the impact of this variant on FGD4 protein function. ClinVar contains an entry for this variant (Variation ID: 1494113). This variant has not been reported in the literature in individuals affected with FGD4-related conditions. This variant is not present in population databases (gnomAD no frequency). This sequence change replaces valine, which is neutral and non-polar, with methionine, which is neutral and non-polar, at codon 326 of the FGD4 protein (p.Val326Met).

NM_001370298.3(FGD4):c.1387G>A (p.Val463Met)

Gene: FGD4 (FYVE, RhoGEF and PH domain containing 4; plus strand). Cytogenetic location: 12p11.21.
Variant type: single nucleotide variant.
Coding change: c.1387G>A on transcript NM_001370298.3 (MANE Select); coding-DNA position 1387, G replaced by A.
Protein change: p.Val463Met; replaces valine 463 with methionine.
Molecular consequence: missense variant. On other transcripts: 5 prime UTR variant (1).
Genome position (GRCh38, 1-based): chr12:32,602,300, G>A. VCF-style: chr12-32602300-G-A. GRCh37 (hg19) VCF-style: chr12-32755234-G-A.
Other names: c.1231G>A, p.Val411Met (NM_001304481.2); c.232G>A, p.Val78Met (NM_001304483.2); c.-76G>A (NM_001304484.2); c.697G>A, p.Val233Met (NM_001330373.2, NM_001330374.2, NM_001384130.1); c.424G>A, p.Val142Met (NM_001370297.1); c.1387G>A, p.Val463Met (NM_001384126.1); c.976G>A, p.Val326Met (NM_001384127.1, NM_001384128.1, NM_001385118.1 and 1 more transcripts); short protein forms V142M, V463M, V233M, V326M, V78M, V411M.
Identifiers: ClinVar variation 1494113 (VCV001494113.8), dbSNP rs2136659690, ClinGen allele CA384359012.